The following is an entry in ClinVar:

NM_024782.3(NHEJ1):c.13G>A (p.Glu5Lys)

Gene: NHEJ1 (non-homologous end joining factor 1; minus strand). Cytogenetic location: 2q35.
Variant type: single nucleotide variant.
Coding change: c.13G>A on transcript NM_024782.3 (MANE Select); coding-DNA position 13, G replaced by A.
Protein change: p.Glu5Lys; replaces glutamic acid 5 with lysine.
Molecular consequence: missense variant. On other transcripts: non-coding transcript variant (1).
Genome position (GRCh38, 1-based): chr2:219,158,350, C>T on the plus strand (G>A on the coding strand, the complement: NHEJ1 is on the minus strand). VCF-style: chr2-219158350-C-T. GRCh37 (hg19) VCF-style: chr2-220023072-C-T.
Other names: c.13G>A, p.Glu5Lys (NM_001377498.1, NM_001377499.1); short protein forms E5K.
Identifiers: ClinVar variation 2042589 (VCV002042589.4), dbSNP rs2469678267, ClinGen allele CA350634945.
Genomic context (GRCh38, chr2:219,158,350, plus strand): 5'-CCAAGAGGGAGTTCTCTGCAAGCTGTAGCCACGCCCATGGCTGCATCAACAGGCCTTGCT[C>T]CAGTTCTTCCATCTGCAAAAAAGTCCTCATTTAGTAAAGAGCCTCAGGGTCATGCTGGCC-3'
Protein context (NP_079058.1, residues 1-15): MEEL[Glu5Lys]QGLLMQPWAW

ClinVar aggregate classification (germline): Uncertain significance (1 of 4 stars; one submission).

Conditions:
Cernunnos-XLF deficiency (IMD124). Also called: SCID, AUTOSOMAL RECESSIVE, T CELL-NEGATIVE, B CELL-NEGATIVE, NK CELL-POSITIVE, WITH MICROCEPHALY, GROWTH RETARDATION, AND SENSITIVITY TO IONIZING RADIATION; Severe combined immunodeficiency with sensitivity to ionizing radiation due to NHEJ1 deficiency; SCID, autosomal recessive, T cell-negative, B cell-negative, NK cell-positive, and sensitivity to ionizing radiation due to NHEJ1 deficiency; IMMUNODEFICIENCY 124, SEVERE COMBINED; NHEJ1 SYNDROME. Identifiers: Orphanet 169079, MedGen C1969799, MONDO:0012650, OMIM 611291.

Submission:

Labcorp Genetics (formerly Invitae), Labcorp
Classification: Uncertain significance for Cernunnos-XLF deficiency. Last evaluated: 2021-12-14. Review status: criteria provided, single submitter. Criteria: Invitae Variant Classification Sherloc (09022015). Collection method: clinical testing. Allele origin: germline.
Comment: In summary, the available evidence is currently insufficient to determine the role of this variant in disease. Therefore, it has been classified as a Variant of Uncertain Significance. This sequence change replaces glutamic acid, which is acidic and polar, with lysine, which is basic and polar, at codon 5 of the NHEJ1 protein (p.Glu5Lys). This variant is not present in population databases (gnomAD no frequency). This variant has not been reported in the literature in individuals affected with NHEJ1-related conditions. Algorithms developed to predict the effect of missense changes on protein structure and function are either unavailable or do not agree on the potential impact of this missense change (SIFT: "Deleterious"; PolyPhen-2: "Possibly Damaging"; Align-GVGD: "Class C0").